The following is an entry in ClinVar:

NM_014159.7(SETD2):c.620C>T (p.Pro207Leu)

Gene: SETD2 (SET domain containing 2, histone lysine methyltransferase; minus strand). Cytogenetic location: 3p21.31.
Variant type: single nucleotide variant.
Coding change: c.620C>T on transcript NM_014159.7 (MANE Select); coding-DNA position 620, C replaced by T.
Protein change: p.Pro207Leu; replaces proline 207 with leucine.
Molecular consequence: missense variant. On other transcripts: non-coding transcript variant (1).
Genome position (GRCh38, 1-based): chr3:47,124,016, G>A on the plus strand (C>T on the coding strand, the complement: SETD2 is on the minus strand). VCF-style: chr3-47124016-G-A. GRCh37 (hg19) VCF-style: chr3-47165506-G-A.
Other names: c.488C>T, p.Pro163Leu (NM_001349370.3); short protein forms P163L, P207L.
Identifiers: ClinVar variation 3378128 (VCV003378128.1).
Genomic context (GRCh38, chr3:47,124,016, plus strand): 5'-ACTGGTGCTGCCATTAGAACTGTTATTGGTGTATGTGGCAAGGCCACTGGCTCTGTTACT[G>A]GTGCTGGTGATGAGAGTGTTGTGGCTTGGGCAGGTGGAGGCGGTGGAGGCGGAGATGAGG-3'
Protein context (NP_054878.5, residues 197-217): AQATTLSSPA[Pro207Leu]VTEPVALPHT

ClinVar aggregate classification (germline): Uncertain significance (1 of 4 stars; one submission).

gnomAD v4.1: 1 of 1,552,258 alleles (0.000064%); highest among the groups gnomAD compares: Non-Finnish European, 0.000087%; no homozygotes.

Submission:

GeneDx
Classification: Uncertain significance. Last evaluated: 2024-05-13. Review status: criteria provided, single submitter. Criteria: GeneDx Variant Classification Process June 2021. Collection method: clinical testing. Allele origin: germline. Affected: yes.
Comment: Not observed at significant frequency in large population cohorts (gnomAD); In silico analysis supports that this missense variant has a deleterious effect on protein structure/function; Has not been previously published as pathogenic or benign to our knowledge